The following is an entry in ClinVar:

ClinVar aggregate classification (germline): Conflicting classifications of pathogenicity. Review status: criteria provided, conflicting classifications (1 of 4 stars). 2 submissions from 2 submitters: Likely pathogenic (1); Uncertain significance (1). Last evaluated 2026-04-15.

Conditions:
Snijders Blok-Campeau syndrome. Also called: INTELLECTUAL DEVELOPMENTAL DISORDER WITH MACROCEPHALY, SPEECH DELAY, AND DYSMORPHIC FACIES. Identifiers: Orphanet 599082, MedGen C4748701, MONDO:0032600, OMIM 618205.

Submissions (2):

GeneDx
Classification: Uncertain significance. Last evaluated: 2026-04-15. Review status: criteria provided, single submitter. Criteria: GeneDx Variant Classification Process June 2021. Collection method: clinical testing. Allele origin: germline.
Comment: In silico analysis supports that this missense variant has a deleterious effect on protein structure/function; Not observed at significant frequency in large population cohorts (gnomAD); This variant is associated with the following publications: (PMID: 39669259)

Institute of Human Genetics, University of Leipzig Medical Center
Classification: Likely pathogenic for Snijders Blok-Campeau syndrome. Last evaluated: 2022-12-08. Review status: criteria provided, single submitter. Criteria: ACMG Guidelines, 2015. Collection method: clinical testing. Allele origin: de novo. Affected: yes.
Comment: This variant was identified as de novo (maternity and paternity confirmed)._x000D_ Criteria applied: PS2_MOD, PM1, PM5, PP3

NM_001005273.3(CHD3):c.3358G>A (p.Asp1120Asn)

Gene: CHD3 (chromodomain helicase DNA binding protein 3; plus strand). Cytogenetic location: 17p13.1.
Variant type: single nucleotide variant.
Coding change: c.3358G>A on transcript NM_001005273.3 (MANE Select); coding-DNA position 3358, G replaced by A.
Protein change: p.Asp1120Asn; replaces aspartic acid 1120 with asparagine.
Molecular consequence: missense variant.
Genome position (GRCh38, 1-based): chr17:7,902,715, G>A. VCF-style: chr17-7902715-G-A. GRCh37 (hg19) VCF-style: chr17-7806033-G-A.
Other names: c.3535G>A, p.Asp1179Asn (NM_001005271.3); c.3358G>A, p.Asp1120Asn (NM_005852.4); short protein forms D1120N, D1179N.
Identifiers: ClinVar variation 1702810 (VCV001702810.4), dbSNP rs1350258866, ClinGen allele CA397941693.
Genomic context (GRCh38, chr17:7,902,715, plus strand): 5'-GGCTACAAGTATGAGCGCATCGATGGTGGTATCACGGGTGCCCTGAGGCAGGAGGCCATC[G>A]ATCGGTTTAATGGTGAGGGAGATACACTGGTCCCTGGTGGGTGTGGGAGGCCTGAGAAAC-3'
Protein context (NP_001005273.1, residues 1110-1130): ITGALRQEAI[Asp1120Asn]RFNAPGAQQF